The following is an entry in ClinVar:

Conditions:
Long QT syndrome 5 (LQT5). Identifiers: Orphanet 101016, Orphanet 768, MedGen C1867904, MONDO:0013372, OMIM 613695.

Submission:

Roden Lab, Vanderbilt University Medical Center
No classification provided (evidence only). Condition: Long QT syndrome 5. Review status: no classification provided. Collection method: in vitro. Allele origin: not applicable. Functional consequence: Effect on ion channel function.
ClinVar note: "not provided" was previously submitted as the classification for the variant. However, the classification appeared to be based only on an observation of functional data so it was converted to no classification on 2025-07-30.

NM_000219.6(KCNE1):c.78C>A (p.Asn26Lys)

Gene: KCNE1 (potassium voltage-gated channel subfamily E regulatory subunit 1; minus strand). Cytogenetic location: 21q22.12.
Variant type: single nucleotide variant.
Coding change: c.78C>A on transcript NM_000219.6 (MANE Select); coding-DNA position 78, C replaced by A.
Protein change: p.Asn26Lys; replaces asparagine 26 with lysine.
Molecular consequence: missense variant.
Genome position (GRCh38, 1-based): chr21:34,449,557, G>T on the plus strand (C>A on the coding strand, the complement: KCNE1 is on the minus strand). VCF-style: chr21-34449557-G-T. GRCh37 (hg19) VCF-style: chr21-35821855-G-T.
Other names: c.78C>A, p.Asn26Lys (NM_001127668.4, NM_001127669.4, NM_001127670.4 and 4 more transcripts); short protein forms N26K.
Identifiers: ClinVar variation 3373988 (VCV003373988.2).
Genomic context (GRCh38, chr21:34,449,557, plus strand): 5'-GTAGAGGGCCTCCAGCTTGCCGTCACTGCTGCGGGGGGACCTGCGGGCCAGGCCCGACAT[G>T]TTGCCACCCTGCTGAACTGTCTCCTGCCACAGCTTGGTCAGAAAGGGCGTCACCGCTGTG-3'
Protein context (NP_000210.2, residues 16-36): LWQETVQQGG[Asn26Lys]MSGLARRSPR